The following is an entry in ClinVar:

NM_001851.6(COL9A1):c.2596G>A (p.Ala866Thr)

Gene: COL9A1 (collagen type IX alpha 1 chain; minus strand). Cytogenetic location: 6q13.
Variant type: single nucleotide variant.
Coding change: c.2596G>A on transcript NM_001851.6 (MANE Select); coding-DNA position 2596, G replaced by A.
Protein change: p.Ala866Thr; replaces alanine 866 with threonine.
Molecular consequence: missense variant. On other transcripts: non-coding transcript variant (1).
Genome position (GRCh38, 1-based): chr6:70,217,067, C>T on the plus strand (G>A on the coding strand, the complement: COL9A1 is on the minus strand). VCF-style: chr6-70217067-C-T. GRCh37 (hg19) VCF-style: chr6-70926770-C-T.
Other names: c.1897G>A, p.Ala633Thr (NM_001377289.1); c.1720G>A, p.Ala574Thr (NM_001377290.1); c.1867G>A, p.Ala623Thr (NM_078485.4); short protein forms A574T, A623T, A633T, A866T.
Identifiers: ClinVar variation 1715403 (VCV001715403.3), dbSNP rs1768563110, ClinGen allele CA364668166.

ClinVar aggregate classification (germline): Uncertain significance (1 of 4 stars; one submission).

Allele frequency attached by ClinVar (database versions not stated): gnomAD exomes below 0.00001; TOPMed below 0.00001.
gnomAD v4.1: 1 of 1,614,096 alleles (0.000062%); highest among the groups gnomAD compares: Non-Finnish European, 0.000085%; no homozygotes.

Submission:

Labcorp Genetics (formerly Invitae), Labcorp
Classification: Uncertain significance. Last evaluated: 2022-08-06. Review status: criteria provided, single submitter. Criteria: Invitae Variant Classification Sherloc (09022015). Collection method: clinical testing. Allele origin: germline.
Comment: This sequence change replaces alanine, which is neutral and non-polar, with threonine, which is neutral and polar, at codon 866 of the COL9A1 protein (p.Ala866Thr). This variant is not present in population databases (gnomAD no frequency). This variant has not been reported in the literature in individuals affected with COL9A1-related conditions. Advanced modeling of protein sequence and biophysical properties (such as structural, functional, and spatial information, amino acid conservation, physicochemical variation, residue mobility, and thermodynamic stability) performed at Invitae indicates that this missense variant is not expected to disrupt COL9A1 protein function. In summary, the available evidence is currently insufficient to determine the role of this variant in disease. Therefore, it has been classified as a Variant of Uncertain Significance.